The following is an entry in ClinVar:

ClinVar aggregate classification (germline): Uncertain significance (1 of 4 stars; one submission).

Conditions:
Hereditary cancer-predisposing syndrome. Also called: Neoplastic Syndromes, Hereditary; Hereditary Cancer Syndrome; Tumor predisposition; Hereditary neoplastic syndrome. Identifiers: Orphanet 140162, MedGen C0027672, MeSH D009386, MONDO:0015356.

Allele frequency attached by ClinVar (database versions not stated): ExAC 0.00001.
gnomAD v4.1: 1 of 1,614,206 alleles (0.000062%); highest among the groups gnomAD compares: South Asian, 0.0011%; no homozygotes.

Submission:

Labcorp Genetics (formerly Invitae), Labcorp
Classification: Uncertain significance for Hereditary cancer-predisposing syndrome. Last evaluated: 2023-05-30. Review status: criteria provided, single submitter. Criteria: Invitae Variant Classification Sherloc (09022015). Collection method: clinical testing. Allele origin: germline.
Comment: In summary, the available evidence is currently insufficient to determine the role of this variant in disease. Therefore, it has been classified as a Variant of Uncertain Significance. Advanced modeling of protein sequence and biophysical properties (such as structural, functional, and spatial information, amino acid conservation, physicochemical variation, residue mobility, and thermodynamic stability) performed at Invitae indicates that this missense variant is expected to disrupt RAD50 protein function. This sequence change replaces valine, which is neutral and non-polar, with methionine, which is neutral and non-polar, at codon 1187 of the RAD50 protein (p.Val1187Met). This variant is present in population databases (rs771855501, gnomAD 0.003%). This variant has not been reported in the literature in individuals affected with RAD50-related conditions.

NM_005732.4(RAD50):c.3559G>A (p.Val1187Met)

Genes: TH2-LCR (Th2 cytokine locus control region; plus strand), TH2LCRR (T helper type 2 locus control region associated RNA; minus strand), RAD50 (RAD50 double strand break repair protein; plus strand). Cytogenetic location: 5q31.1.
Variant type: single nucleotide variant.
Coding change: c.3559G>A on transcript NM_005732.4 (MANE Select); coding-DNA position 3559, G replaced by A.
Protein change: p.Val1187Met; replaces valine 1187 with methionine.
Molecular consequence: missense variant. On other transcripts: non-coding transcript variant (3).
Genome position (GRCh38, 1-based): chr5:132,638,164, G>A. VCF-style: chr5-132638164-G-A. GRCh37 (hg19) VCF-style: chr5-131973856-G-A.
Other names: short protein forms V1187M.
Identifiers: ClinVar variation 2749992 (VCV002749992.3), dbSNP rs771855501, ClinGen allele CA3405611.